The following is an entry in ClinVar:

NM_001042545.2(LTBP4):c.442G>C (p.Gly148Arg)

Gene: LTBP4 (latent transforming growth factor beta binding protein 4; plus strand). Cytogenetic location: 19q13.2.
Variant type: single nucleotide variant.
Coding change: c.442G>C on transcript NM_001042545.2 (MANE Select); coding-DNA position 442, G replaced by C.
Protein change: p.Gly148Arg; replaces glycine 148 with arginine.
Molecular consequence: missense variant.
Genome position (GRCh38, 1-based): chr19:40,605,226, G>C. VCF-style: chr19-40605226-G-C. GRCh37 (hg19) VCF-style: chr19-41111132-G-C.
Other names: c.643G>C, p.Gly215Arg (NM_001042544.1); c.532G>C, p.Gly178Arg (NM_003573.2); short protein forms G148R, G178R, G215R.
Identifiers: ClinVar variation 1219044 (VCV001219044.5), dbSNP rs764109271, ClinGen allele CA308447538.

ClinVar aggregate classification (germline): Uncertain significance (1 of 4 stars; one submission).

Allele frequency attached by ClinVar (database versions not stated): TOPMed below 0.00001; gnomAD 0.00001; gnomAD exomes 0.00002.
gnomAD v4.1: 34 of 1,587,376 alleles (0.0021%); highest among the groups gnomAD compares: Non-Finnish European, 0.0028%; no homozygotes.

Submission:

GeneDx
Classification: Uncertain significance. Last evaluated: 2021-11-24. Review status: criteria provided, single submitter. Criteria: GeneDx Variant Classification Process June 2021. Collection method: clinical testing. Allele origin: germline. Affected: yes.
Comment: Has not been previously published as pathogenic or benign to our knowledge; Not observed at significant frequency in large population cohorts (Lek et al., 2016); In silico analysis supports that this missense variant does not alter protein structure/function